The following is an entry in ClinVar:

NM_000051.4(ATM):c.6122T>A (p.Met2041Lys)

Genes: ATM (ATM serine/threonine kinase; plus strand), C11orf65 (chromosome 11 open reading frame 65; minus strand). Cytogenetic location: 11q22.3.
Variant type: single nucleotide variant.
Coding change: c.6122T>A on transcript NM_000051.4 (MANE Select); coding-DNA position 6122, T replaced by A.
Protein change: p.Met2041Lys; replaces methionine 2041 with lysine.
Molecular consequence: missense variant. On other transcripts: intron variant (2).
Genome position (GRCh38, 1-based): chr11:108,316,037, T>A. VCF-style: chr11-108316037-T-A. GRCh37 (hg19) VCF-style: chr11-108186764-T-A.
Other names: c.6122T>A, p.Met2041Lys (NM_001351834.2); c.641-6966A>T (NM_001330368.2); c.*39-6966A>T (NM_001351110.2); short protein forms M2041K.
Identifiers: ClinVar variation 1715584 (VCV001715584.7), dbSNP rs1000032847, ClinGen allele CA382550427.

ClinVar aggregate classification (germline): Uncertain significance. Review status: criteria provided, multiple submitters, no conflicts (2 of 4 stars). 2 submissions from 2 submitters: Uncertain significance (2). Last evaluated 2024-09-30.

Conditions:
Ataxia-telangiectasia syndrome (AT). Also called: Ataxia telangiectasia (A-T); LOUIS-BAR SYNDROME; Cerebello-oculocutaneous telangiectasia; Immunodeficiency with ataxia telangiectasia; Ataxia-telangiectasia, complementation group D; AT, COMPLEMENTATION GROUP C. Identifiers: Orphanet 100, MedGen C0004135, MONDO:0008840, OMIM 208900.
Hereditary cancer-predisposing syndrome. Also called: Hereditary neoplastic syndrome; Neoplastic Syndromes, Hereditary; Tumor predisposition; Hereditary Cancer Syndrome. Identifiers: Orphanet 140162, MedGen C0027672, MeSH D009386, MONDO:0015356.

Submissions (2):

Ambry Genetics
Classification: Uncertain significance for Hereditary cancer-predisposing syndrome. Last evaluated: 2024-09-30. Review status: criteria provided, single submitter. Criteria: Ambry Variant Classification Scheme 2023. Collection method: clinical testing. Allele origin: germline.
Comment: The p.M2041K variant (also known as c.6122T>A), located in coding exon 41 of the ATM gene, results from a T to A substitution at nucleotide position 6122. The methionine at codon 2041 is replaced by lysine, an amino acid with similar properties. This amino acid position is conserved. In addition, this alteration is predicted to be tolerated by in silico analysis. Based on the available evidence, the clinical significance of this variant remains unclear.

Labcorp Genetics (formerly Invitae), Labcorp
Classification: Uncertain significance for Ataxia-telangiectasia syndrome. Last evaluated: 2022-08-12. Review status: criteria provided, single submitter. Criteria: Invitae Variant Classification Sherloc (09022015). Collection method: clinical testing. Allele origin: germline.
Comment: In summary, the available evidence is currently insufficient to determine the role of this variant in disease. Therefore, it has been classified as a Variant of Uncertain Significance. Advanced modeling of protein sequence and biophysical properties (such as structural, functional, and spatial information, amino acid conservation, physicochemical variation, residue mobility, and thermodynamic stability) performed at Invitae indicates that this missense variant is not expected to disrupt ATM protein function. This variant has not been reported in the literature in individuals affected with ATM-related conditions. This variant is not present in population databases (gnomAD no frequency). This sequence change replaces methionine, which is neutral and non-polar, with lysine, which is basic and polar, at codon 2041 of the ATM protein (p.Met2041Lys).